The following is an entry in ClinVar:

ClinVar aggregate classification (germline): Pathogenic (1 of 4 stars; one submission).

Conditions:
Granulomatous disease, chronic, autosomal recessive, cytochrome b-negative. Also called: GRANULOMATOUS DISEASE, CHRONIC, AUTOSOMAL RECESSIVE, 4; Chronic granulomatous disease, autosomal, due to deficiency of CYBA; CGD DUE TO DEFICIENCY OF THE ALPHA SUBUNIT OF CYTOCHROME b; CGD, AUTOSOMAL RECESSIVE CYTOCHROME b-NEGATIVE; CYBA DEFICIENCY. Identifiers: Orphanet 379, MedGen C1856255, MONDO:0009308, OMIM 233690.

Submission:

Labcorp Genetics (formerly Invitae), Labcorp
Classification: Pathogenic for Granulomatous disease, chronic, autosomal recessive, cytochrome b-negative. Last evaluated: 2023-08-29. Review status: criteria provided, single submitter. Criteria: Invitae Variant Classification Sherloc (09022015). Collection method: clinical testing. Allele origin: germline.
Comment: This sequence change results in a frameshift in the CYBA gene (p.Tyr37Leufs*176). While this is not anticipated to result in nonsense mediated decay, it is expected to disrupt the last 159 amino acid(s) of the CYBA protein and extend the protein by 16 additional amino acid residues. This variant is not present in population databases (gnomAD no frequency). For these reasons, this variant has been classified as Pathogenic. This variant disrupts a region of the CYBA protein in which other variant(s) (p.Glu129*) have been determined to be pathogenic (Invitae). This suggests that this is a clinically significant region of the protein, and that variants that disrupt it are likely to be disease-causing. Algorithms developed to predict the effect of sequence changes on RNA splicing suggest that this variant may disrupt the consensus splice site. This variant has not been reported in the literature in individuals affected with CYBA-related conditions.

NM_000101.4(CYBA):c.109dup (p.Tyr37fs)

Gene: CYBA (cytochrome b-245 alpha chain; minus strand). Cytogenetic location: 16q24.2.
Variant type: Duplication.
Coding change: c.109dup on transcript NM_000101.4 (MANE Select); coding-DNA position 109, one base duplicated (T; older notation c.109dupT).
Protein change: p.Tyr37fs; shifts the reading frame from tyrosine 37.
Molecular consequence: frameshift variant.
Genome position (GRCh38, 1-based): chr16:88,648,064, A duplicated on the plus strand (T on the coding strand, the reverse complement: CYBA is on the minus strand). VCF-style (leftmost placement, unchanged base first): chr16-88648063-T-TA. GRCh37 (hg19) VCF-style: chr16-88714471-T-TA.
Other names: short protein forms Y37fs.
Identifiers: ClinVar variation 2755870 (VCV002755870.3), dbSNP rs2507533269, ClinGen allele CA2697556008.